The following is an entry in ClinVar:

ClinVar aggregate classification (germline): Uncertain significance (1 of 4 stars; one submission).

Conditions:
Cardiovascular phenotype. Identifiers: MedGen CN230736.

gnomAD v4.1: 3 of 1,613,650 alleles (0.00019%); highest among the groups gnomAD compares: Non-Finnish European, 0.00017%; no homozygotes.

Submission:

Ambry Genetics
Classification: Uncertain significance for Cardiovascular phenotype. Last evaluated: 2025-06-15. Review status: criteria provided, single submitter. Criteria: Ambry Variant Classification Scheme 2023. Collection method: clinical testing. Allele origin: germline.
Comment: The p.Q156H variant (also known as c.468G>C), located in coding exon 4 of the TBX5 gene, results from a G to C substitution at nucleotide position 468. The glutamine at codon 156 is replaced by histidine, an amino acid with highly similar properties. This amino acid position is conserved. In addition, the in silico prediction for this alteration is inconclusive. Based on the available evidence, the clinical significance of this variant remains unclear.

NM_181486.4(TBX5):c.468G>C (p.Gln156His)

Gene: TBX5 (T-box transcription factor 5; minus strand). Cytogenetic location: 12q24.21.
Variant type: single nucleotide variant.
Coding change: c.468G>C on transcript NM_181486.4 (MANE Select); coding-DNA position 468, G replaced by C.
Protein change: p.Gln156His; replaces glutamine 156 with histidine.
Molecular consequence: missense variant.
Genome position (GRCh38, 1-based): chr12:114,398,615, C>G on the plus strand (G>C on the coding strand, the complement: TBX5 is on the minus strand). VCF-style: chr12-114398615-C-G. GRCh37 (hg19) VCF-style: chr12-114836420-C-G.
Other names: c.468G>C, p.Gln156His (NM_000192.3); c.318G>C, p.Gln106His (NM_080717.4); short protein forms Q106H, Q156H.
Identifiers: ClinVar variation 4181300 (VCV004181300.1).